The following is an entry in ClinVar:

NM_017534.6(MYH2):c.2391G>T (p.Arg797Ser)

Genes: MYHAS (myosin heavy chain gene cluster antisense RNA; plus strand), MYH2 (myosin heavy chain 2; minus strand). Cytogenetic location: 17p13.1.
Variant type: single nucleotide variant.
Coding change: c.2391G>T on transcript NM_017534.6 (MANE Select); coding-DNA position 2391, G replaced by T.
Protein change: p.Arg797Ser; replaces arginine 797 with serine.
Molecular consequence: missense variant.
Genome position (GRCh38, 1-based): chr17:10,533,335, C>A on the plus strand (G>T on the coding strand, the complement: MYH2 is on the minus strand). VCF-style: chr17-10533335-C-A. GRCh37 (hg19) VCF-style: chr17-10436652-C-A.
Other names: c.2391G>T, p.Arg797Ser (NM_001100112.2); short protein forms R797S.
Identifiers: ClinVar variation 834689 (VCV000834689.7), dbSNP rs374943306, ClinGen allele CA8391138.

ClinVar aggregate classification (germline): Uncertain significance. Review status: criteria provided, multiple submitters, no conflicts (2 of 4 stars). 2 submissions from 2 submitters: Uncertain significance (2). Last evaluated 2026-01-05.

Conditions:
Inborn genetic diseases. Identifiers: MedGen C0950123, MeSH D030342.
Myopathy, proximal, and ophthalmoplegia (CMYO6). Also called: MYOPATHY WITH CONGENITAL JOINT CONTRACTURES, OPHTHALMOPLEGIA, AND RIMMED VACUOLES; INCLUSION BODY MYOPATHY 3, AUTOSOMAL DOMINANT; CONGENITAL MYOPATHY 6 WITH OPHTHALMOPLEGIA. Identifiers: Orphanet 363677, Orphanet 79091, MedGen C1854106, MONDO:0011577, OMIM 605637.

Allele frequency attached by ClinVar (database versions not stated): ExAC 0.00002; gnomAD exomes 0.00002 and 0.00003; TOPMed 0.00004; gnomAD 0.00005 and 0.00006; ESP Exome Variant Server 0.00008.
gnomAD v4.1: 52 of 1,614,106 alleles (0.0032%); highest among the groups gnomAD compares: African/African-American, 0.0053%; no homozygotes.

Submissions (2):

Labcorp Genetics (formerly Invitae), Labcorp
Classification: Uncertain significance for Myopathy, proximal, and ophthalmoplegia. Last evaluated: 2026-01-05. Review status: criteria provided, single submitter. Criteria: Invitae Variant Classification Sherloc (09022015). Collection method: clinical testing. Allele origin: germline.
Comment: This sequence change replaces arginine, which is basic and polar, with serine, which is neutral and polar, at codon 797 of the MYH2 protein (p.Arg797Ser). This variant is present in population databases (rs374943306, gnomAD 0.005%). This variant has not been reported in the literature in individuals affected with MYH2-related conditions. ClinVar contains an entry for this variant (Variation ID: 834689). Invitae Evidence Modeling of protein sequence and biophysical properties (such as structural, functional, and spatial information, amino acid conservation, physicochemical variation, residue mobility, and thermodynamic stability) indicates that this missense variant is not expected to disrupt MYH2 protein function with a negative predictive value of 80%. In summary, the available evidence is currently insufficient to determine the role of this variant in disease. Therefore, it has been classified as a Variant of Uncertain Significance.

Ambry Genetics
Classification: Uncertain significance for Inborn genetic diseases. Last evaluated: 2021-09-16. Review status: criteria provided, single submitter. Criteria: Ambry Variant Classification Scheme 2023. Collection method: clinical testing. Allele origin: germline.